The following is an entry in ClinVar:

NM_004415.4(DSP):c.1904-2A>G

Gene: DSP (desmoplakin; plus strand). Cytogenetic location: 6p24.3.
Variant type: single nucleotide variant.
Coding change: c.1904-2A>G on transcript NM_004415.4 (MANE Select); the canonical splice acceptor site of the intron before coding-DNA position 1904, A replaced by G.
Molecular consequence: splice acceptor variant.
Genome position (GRCh38, 1-based): chr6:7,571,840, A>G. VCF-style: chr6-7571840-A-G. GRCh37 (hg19) VCF-style: chr6-7572073-A-G.
Other names: c.1904-2A>G (NM_001319034.2, NM_001008844.3).
Identifiers: ClinVar variation 1345326 (VCV001345326.6), dbSNP rs2113679702, ClinGen allele CA362679929.

ClinVar aggregate classification (germline): Likely pathogenic (1 of 4 stars; one submission).

Conditions:
Arrhythmogenic cardiomyopathy with wooly hair and keratoderma. Also called: Arrhythmogenic cardiomyopathy with woolly hair and keratoderma; Carvajal syndrome; PALMOPLANTAR KERATODERMA WITH LEFT VENTRICULAR CARDIOMYOPATHY AND WOOLLY HAIR; Dilated cardiomyopathy with woolly hair and keratoderma. Identifiers: Orphanet 65282, MedGen C1854063, MONDO:0011581, OMIM 605676.
Arrhythmogenic right ventricular dysplasia 8 (ARVD8). Also called: Arrhythmogenic Right Ventricular Dysplasia/Cardiomyopathy 8; ARRHYTHMOGENIC RIGHT VENTRICULAR DYSPLASIA, FAMILIAL, 8; ARRHYTHMOGENIC RIGHT VENTRICULAR CARDIOMYOPATHY 8. Identifiers: MedGen C1843896, MONDO:0011831, OMIM 607450.

Submission:

Labcorp Genetics (formerly Invitae), Labcorp
Classification: Likely pathogenic for Arrhythmogenic cardiomyopathy with wooly hair and keratoderma; Arrhythmogenic right ventricular dysplasia 8. Last evaluated: 2021-10-28. Review status: criteria provided, single submitter. Criteria: Invitae Variant Classification Sherloc (09022015). Collection method: clinical testing. Allele origin: germline.
Comment: In summary, the currently available evidence indicates that the variant is pathogenic, but additional data are needed to prove that conclusively. Therefore, this variant has been classified as Likely Pathogenic. Algorithms developed to predict the effect of sequence changes on RNA splicing suggest that this variant may disrupt the consensus splice site. This variant has not been reported in the literature in individuals affected with DSP-related conditions. This variant is not present in population databases (gnomAD no frequency). This sequence change affects an acceptor splice site in intron 14 of the DSP gene. It is expected to disrupt RNA splicing. Variants that disrupt the donor or acceptor splice site typically lead to a loss of protein function (PMID: 16199547), and loss-of-function variants in DSP are known to be pathogenic (PMID: 20716751, 24503780, 25227139).

Literature cited by the submitters: PubMed 16199547; PubMed 20716751; PubMed 24503780; PubMed 25227139.